The following is an entry in ClinVar:

NM_001199107.2(TBC1D24):c.1322_1323del (p.Arg441fs)

Gene: TBC1D24 (TBC1 domain family member 24; plus strand). Cytogenetic location: 16p13.3.
Variant type: Microsatellite.
Coding change: c.1322_1323del on transcript NM_001199107.2 (MANE Select); coding-DNA positions 1322 to 1323, 2 bases deleted (GC; older notation c.1322_1323delGC).
Protein change: p.Arg441fs; shifts the reading frame from arginine 441.
Molecular consequence: frameshift variant.
Genome position (GRCh38, 1-based): chr16:2,500,287-2,500,288, GC deleted; deleting any 2 consecutive bases within chr16:2,500,285-2,500,288 gives the same sequence; the c. name uses the placement nearest the transcript's 3' end. VCF-style (leftmost placement, unchanged base first): chr16-2500284-AGC-A. GRCh37 (hg19) VCF-style: chr16-2550285-AGC-A.
Other names: c.1304_1305del, p.Arg435fs (NM_020705.3); short protein forms R435fs, R441fs.
Identifiers: ClinVar variation 817288 (VCV000817288.1), dbSNP rs1596972653, ClinGen allele CA915949040.

ClinVar aggregate classification (germline): Likely pathogenic (1 of 4 stars; one submission).

Submission:

GeneDx
Classification: Likely pathogenic. Last evaluated: 2018-10-25. Review status: criteria provided, single submitter. Criteria: GeneDx Variant Classification (06012015). Collection method: clinical testing. Allele origin: germline. Affected: yes.
Comment: The c.1322_1323delGC variant has not been published as a pathogenic variant, nor has it been reported as a benign variant to our knowledge. The deletion causes a frameshift starting with codon Arginine 441, changes this amino acid to a Leucine residue and creates a premature Stop codon at position 36 of the new reading frame, denoted p.Arg441LeufsX36. This variant is predicted to cause loss of normal protein function either through protein truncation or nonsense-mediated mRNA decay. Furthermore, the c.1322_1323delGC variant is not observed in large population cohorts (Lek et al., 2016). Therefore, this variant is likely pathogenic; however, the possibility that it is benign cannot be excluded.